The following is an entry in ClinVar:

NM_003036.4(SKI):c.260C>G (p.Pro87Arg)

Gene: SKI (SKI proto-oncogene; plus strand). Cytogenetic location: 1p36.33.
Variant type: single nucleotide variant.
Coding change: c.260C>G on transcript NM_003036.4 (MANE Select); coding-DNA position 260, C replaced by G.
Protein change: p.Pro87Arg; replaces proline 87 with arginine.
Molecular consequence: missense variant.
Genome position (GRCh38, 1-based): chr1:2,229,026, C>G. VCF-style: chr1-2229026-C-G. GRCh37 (hg19) VCF-style: chr1-2160465-C-G.
Other names: short protein forms P87R.
Identifiers: ClinVar variation 1793772 (VCV001793772.2), dbSNP rs1183118109, ClinGen allele CA337952414.

ClinVar aggregate classification (germline): Uncertain significance (1 of 4 stars; one submission).

Conditions:
Familial thoracic aortic aneurysm and aortic dissection (TAAD). Also called: Thoracic aortic aneurysms and dissections. Identifiers: Orphanet 91387, MedGen C4707243, MONDO:0019625.

Submission:

Ambry Genetics
Classification: Uncertain significance for Familial thoracic aortic aneurysm and aortic dissection. Last evaluated: 2021-12-13. Review status: criteria provided, single submitter. Criteria: Ambry Variant Classification Scheme 2023. Collection method: clinical testing. Allele origin: germline.
Comment: The p.P87R variant (also known as c.260C>G), located in coding exon 1 of the SKI gene, results from a C to G substitution at nucleotide position 260. The proline at codon 87 is replaced by arginine, an amino acid with dissimilar properties. This amino acid position is conserved. In addition, the in silico prediction for this alteration is inconclusive. Since supporting evidence is limited at this time, the clinical significance of this alteration remains unclear.